The following is an entry in ClinVar:

ClinVar aggregate classification (germline): Likely pathogenic (1 of 4 stars; one submission).

Conditions:
Dilated cardiomyopathy 1G (CMD1G). Identifiers: Orphanet 154, MedGen C1858763, MONDO:0011400, OMIM 604145.
Autosomal recessive limb-girdle muscular dystrophy type 2J (LGMDR10). Also called: Limb-girdle muscular dystrophy, type 2J; MUSCULAR DYSTROPHY, LIMB-GIRDLE, AUTOSOMAL RECESSIVE 10. Identifiers: Orphanet 140922, MedGen C1837342, MONDO:0012127, OMIM 608807.

Submission:

Labcorp Genetics (formerly Invitae), Labcorp
Classification: Likely pathogenic for Dilated cardiomyopathy 1G; Autosomal recessive limb-girdle muscular dystrophy type 2J. Last evaluated: 2021-05-13. Review status: criteria provided, single submitter. Criteria: Invitae Variant Classification Sherloc (09022015). Collection method: clinical testing. Allele origin: germline.
Comment: In summary, the currently available evidence indicates that the variant is pathogenic, but additional data are needed to prove that conclusively. Therefore, this variant has been classified as Likely Pathogenic. This variant is located in the A band of TTN (PMID: 25589632). Truncating variants in this region are significantly overrepresented in patients affected with dilated cardiomyopathy (PMID: 25589632). Truncating variants in this region have also been reported in individuals affected with autosomal recessive centronuclear myopathy (PMID: 23975875). This variant has not been reported in the literature in individuals with TTN-related conditions. This variant is not present in population databases (ExAC no frequency). This sequence change creates a premature translational stop signal (p.Arg21193Profs*13) in the TTN gene. While this is not anticipated to result in nonsense mediated decay, it is expected to create a truncated TTN protein.

Literature cited by the submitters: PubMed 25589632; PubMed 23975875.

NM_001267550.2(TTN):c.63577dup (p.Arg21193fs)

Genes: TTN-AS1 (TTN antisense RNA 1; plus strand), TTN (titin; minus strand). Cytogenetic location: 2q31.2.
Variant type: Duplication.
Coding change: c.63577dup on transcript NM_001267550.2 (MANE Select); coding-DNA position 63577, one base duplicated (C; older notation c.63577dupC).
Protein change: p.Arg21193fs; shifts the reading frame from arginine 21193.
Molecular consequence: frameshift variant.
Genome position (GRCh38, 1-based): chr2:178,587,732, G duplicated on the plus strand (C on the coding strand, the reverse complement: TTN is on the minus strand). VCF-style (leftmost placement, unchanged base first): chr2-178587731-C-CG. GRCh37 (hg19) VCF-style: chr2-179452458-C-CG.
Other names: c.58654dup, p.Arg19552fs (NM_001256850.1); c.36382dup, p.Arg12128fs (NM_003319.4); c.55873dup, p.Arg18625fs (NM_133378.4); c.36757dup, p.Arg12253fs (NM_133432.3); c.36958dup, p.Arg12320fs (NM_133437.4); short protein forms R21193fs, R12128fs, R12320fs, R19552fs, R12253fs, R18625fs.
Identifiers: ClinVar variation 1506927 (VCV001506927.8), dbSNP rs2154182439, ClinGen allele CA2573133745.